The following is an entry in ClinVar:

ClinVar aggregate classification (germline): Pathogenic/Likely pathogenic. Review status: criteria provided, multiple submitters, no conflicts (2 of 4 stars). 4 submissions from 4 submitters: Pathogenic (2); Likely pathogenic (2). Last evaluated 2024-06-07.

Conditions:
Inborn genetic diseases. Identifiers: MedGen C0950123, MeSH D030342.
Mucopolysaccharidosis, MPS-II (MPS2). Also called: IDS deficiency; Sulfoiduronate sulfatase deficiency; SIDS deficiency; Mucopolysaccharidosis type 2; Mucopolysaccharidosis Type II; Attenuated MPS (subtype; formerly known as mild MPS II). Identifiers: Orphanet 580, Orphanet 79388, MedGen C0026705, MONDO:0010674, OMIM 309900.

Submissions (4):

Laboratory of Diagnosis and Therapy of Lysosomal Disorders, University of Padova
Classification: Likely pathogenic for Mucopolysaccharidosis, MPS-II. Last evaluated: 2024-06-07. Review status: criteria provided, single submitter. Criteria: ACMG Guidelines, 2015. Collection method: literature only. Allele origin: germline. Affected: yes. Observed: 1 variant allele.
Comment: Null variant (PVS1_Strong), Absent from controls (or at low frequency) in gnomAD database (PM2_Moderate), Patient’s phenotype or family history highly specific for the disease (PP4_Moderate)

Classification method: ACMG Guidelines [PMID:25741868] with modifications

Genome-Nilou Lab
Classification: Pathogenic for Mucopolysaccharidosis, MPS-II. Last evaluated: 2021-09-05. Review status: criteria provided, single submitter. Criteria: ACMG Guidelines, 2015. Collection method: clinical testing. Allele origin: germline. Affected: no.

Ambry Genetics
Classification: Likely pathogenic for Inborn genetic diseases. Last evaluated: 2017-12-07. Review status: criteria provided, single submitter. Criteria: Ambry exome assertion method (8-5-2015). Collection method: clinical testing. Allele origin: germline. Affected: yes. Observed: 1 variant allele.

Department of Medical Genetics, Sanjay Gandhi Post Graduate Institute of Medical Sciences
Classification: Pathogenic for Mucopolysaccharidosis, MPS-II. Review status: criteria provided, single submitter. Criteria: ACMG Guidelines, 2015. Collection method: clinical testing. Allele origin: maternal. Inheritance: X-linked recessive inheritance. Affected: yes. Observed: 1 variant allele, 1 hemizygote.

Literature cited by the submitters: PubMed 35144014 (cited by Laboratory of Diagnosis and Therapy of Lysosomal Disorders, University of Padova).

NM_000202.8(IDS):c.1497T>G (p.Tyr499Ter)

Gene: IDS (iduronate 2-sulfatase; minus strand). Cytogenetic location: Xq28.
Variant type: single nucleotide variant.
Coding change: c.1497T>G on transcript NM_000202.8 (MANE Select); coding-DNA position 1497, T replaced by G.
Protein change: p.Tyr499Ter; replaces tyrosine 499 with a stop codon.
Molecular consequence: nonsense.
Genome position (GRCh38, 1-based): chrX:149,482,902, A>C on the plus strand (T>G on the coding strand, the complement: IDS is on the minus strand). VCF-style: chrX-149482902-A-C. GRCh37 (hg19) VCF-style: chrX-148564433-A-C.
Other names: c.1227T>G, p.Tyr409Ter (NM_001166550.4); short protein forms Y409*, Y499*.
Identifiers: ClinVar variation 985029 (VCV000985029.8), dbSNP rs2089304408, ClinGen allele CA414517961.